The following is an entry in ClinVar:

NM_004006.3(DMD):c.5154+2T>C

Gene: DMD (dystrophin; minus strand). Cytogenetic location: Xp21.1.
Variant type: single nucleotide variant.
Coding change: c.5154+2T>C on transcript NM_004006.3 (MANE Select); the canonical splice donor site of the intron after coding-DNA position 5154, T replaced by C.
Molecular consequence: splice donor variant.
Genome position (GRCh38, 1-based): chrX:32,364,580, A>G on the plus strand (T>C on the coding strand, the complement: DMD is on the minus strand). VCF-style: chrX-32364580-A-G. GRCh37 (hg19) VCF-style: chrX-32382697-A-G.
Other names: c.5130+2T>C (NM_000109.4); c.1131+2T>C (NM_004011.4); c.1122+2T>C (NM_004012.4); c.5142+2T>C (NM_004009.3); c.4785+2T>C (NM_004010.3).
Identifiers: ClinVar variation 576144 (VCV000576144.10), dbSNP rs1569559822, ClinGen allele CA412671404.

ClinVar aggregate classification (germline): Likely pathogenic (1 of 4 stars; one submission).

Conditions:
Duchenne muscular dystrophy (DMD). Also called: MUSCULAR DYSTROPHY, PSEUDOHYPERTROPHIC PROGRESSIVE, DUCHENNE TYPE; Duchenne Muscular Dystrophy (DMD). Identifiers: Orphanet 98896, MedGen C0013264, MONDO:0010679, OMIM 310200.

Submission:

Labcorp Genetics (formerly Invitae), Labcorp
Classification: Likely pathogenic for Duchenne muscular dystrophy. Last evaluated: 2022-03-09. Review status: criteria provided, single submitter. Criteria: Invitae Variant Classification Sherloc (09022015). Collection method: clinical testing. Allele origin: germline.
Comment: In summary, the currently available evidence indicates that the variant is pathogenic, but additional data are needed to prove that conclusively. Therefore, this variant has been classified as Likely Pathogenic. Algorithms developed to predict the effect of sequence changes on RNA splicing suggest that this variant may disrupt the consensus splice site. ClinVar contains an entry for this variant (Variation ID: 576144). This sequence change affects a donor splice site in intron 36 of the DMD gene. It is expected to disrupt RNA splicing. Variants that disrupt the donor or acceptor splice site typically lead to a loss of protein function (PMID: 16199547), and loss-of-function variants in DMD are known to be pathogenic (PMID: 16770791, 25007885). This variant is not present in population databases (gnomAD no frequency). Disruption of this splice site has been observed in individual(s) with Duchenne muscular dystrophy (PMID: 17259292).

Literature cited by the submitters: PubMed 16199547; PubMed 16770791; PubMed 25007885; PubMed 17259292.